The following is an entry in ClinVar:

NM_013266.4(CTNNA3):c.1469T>C (p.Ile490Thr)

Gene: CTNNA3 (catenin alpha 3; minus strand). Cytogenetic location: 10q21.3.
Variant type: single nucleotide variant.
Coding change: c.1469T>C on transcript NM_013266.4 (MANE Select); coding-DNA position 1469, T replaced by C.
Protein change: p.Ile490Thr; replaces isoleucine 490 with threonine.
Molecular consequence: missense variant.
Genome position (GRCh38, 1-based): chr10:66,520,679, A>G on the plus strand (T>C on the coding strand, the complement: CTNNA3 is on the minus strand). VCF-style: chr10-66520679-A-G. GRCh37 (hg19) VCF-style: chr10-68280437-A-G.
Other names: c.1469T>C, p.Ile490Thr (NM_001127384.3); c.1469T>C (NM_013266.2); short protein forms I490T.
Identifiers: ClinVar variation 2995191 (VCV002995191.4), dbSNP rs764978430, ClinGen allele CA5519944.

ClinVar aggregate classification (germline): Uncertain significance. Review status: criteria provided, multiple submitters, no conflicts (2 of 4 stars). 2 submissions from 2 submitters: Uncertain significance (2). Last evaluated 2026-01-06.

Conditions:
Arrhythmogenic right ventricular dysplasia 13. Also called: ARRHYTHMOGENIC RIGHT VENTRICULAR CARDIOMYOPATHY 13; Arrhythmogenic right ventricular dysplasia, familial, 13. Identifiers: MedGen C3810138, MONDO:0000908, OMIM 615616.

Allele frequency attached by ClinVar (database versions not stated): TOPMed 0.00003.
gnomAD v4.1: 5 of 1,612,016 alleles (0.00031%); highest among the groups gnomAD compares: African/African-American, 0.0067%; no homozygotes.

Submissions (2):

Labcorp Genetics (formerly Invitae), Labcorp
Classification: Uncertain significance for Arrhythmogenic right ventricular dysplasia 13. Last evaluated: 2026-01-06. Review status: criteria provided, single submitter. Criteria: Invitae Variant Classification Sherloc (09022015). Collection method: clinical testing. Allele origin: germline.
Comment: This sequence change replaces isoleucine, which is neutral and non-polar, with threonine, which is neutral and polar, at codon 490 of the CTNNA3 protein (p.Ile490Thr). This variant is present in population databases (rs764978430, gnomAD 0.01%). This variant has not been reported in the literature in individuals affected with CTNNA3-related conditions. ClinVar contains an entry for this variant (Variation ID: 2995191). Invitae Evidence Modeling of protein sequence and biophysical properties (such as structural, functional, and spatial information, amino acid conservation, physicochemical variation, residue mobility, and thermodynamic stability) indicates that this missense variant is not expected to disrupt CTNNA3 protein function with a negative predictive value of 80%. In summary, the available evidence is currently insufficient to determine the role of this variant in disease. Therefore, it has been classified as a Variant of Uncertain Significance.

Ambry Genetics
Classification: Uncertain significance. Last evaluated: 2024-06-13. Review status: criteria provided, single submitter. Criteria: Ambry Variant Classification Scheme 2023. Collection method: clinical testing. Allele origin: germline.